The following is an entry in ClinVar:

NM_006517.5(SLC16A2):c.150G>T (p.Glu50Asp)

Gene: SLC16A2 (solute carrier family 16 member 2; plus strand). Cytogenetic location: Xq13.2.
Variant type: single nucleotide variant.
Coding change: c.150G>T on transcript NM_006517.5 (MANE Select); coding-DNA position 150, G replaced by T.
Protein change: p.Glu50Asp; replaces glutamic acid 50 with aspartic acid.
Molecular consequence: missense variant.
Genome position (GRCh38, 1-based): chrX:74,421,787, G>T. VCF-style: chrX-74421787-G-T. GRCh37 (hg19) VCF-style: chrX-73641622-G-T.
Other names: short protein forms E50D.
Identifiers: ClinVar variation 3898053 (VCV003898053.1).

ClinVar aggregate classification (germline): Uncertain significance (1 of 4 stars; one submission).

Conditions:
Allan-Herndon-Dudley syndrome (AHDS). Also called: MENTAL RETARDATION AND MUSCULAR ATROPHY; T3 RESISTANCE; TRIIODOTHYRONINE RESISTANCE; ALLAN-HERNDON SYNDROME; Passos-Bueno syndrome. Identifiers: Orphanet 59, MedGen C0795889, MONDO:0010354, OMIM 300523.

Submission:

Neuberg Centre For Genomic Medicine, NCGM
Classification: Uncertain significance for Allan-Herndon-Dudley syndrome. Last evaluated: 2024-02-01. Review status: criteria provided, single submitter. Criteria: ACMG Guidelines, 2015. Collection method: clinical testing. Allele origin: germline. Inheritance: X-linked inheritance.
Comment: The above variant in SLC16A2 gene has not been reported previously as a pathogenic variant nor as a benign variant, to our knowledge.